The following is an entry in ClinVar:

ClinVar aggregate classification (germline): Uncertain significance. Review status: criteria provided, single submitter (1 of 4 stars). 2 submissions from 2 submitters: Uncertain significance (1). 1 of the submissions does not count toward it. Last evaluated 2024-10-04.

Conditions:
Autosomal recessive inherited pseudoxanthoma elasticum (PXE). Identifiers: Orphanet 758, MedGen CN032334, MONDO:0009925, OMIM 264800.

Allele frequency attached by ClinVar (database versions not stated): gnomAD exomes 0.00001; TOPMed below 0.00001; gnomAD 0.00001.
gnomAD v4.1: 8 of 1,612,536 alleles (0.0005%); highest among the groups gnomAD compares: Non-Finnish European, 0.00068%; no homozygotes.

Submissions (2):

Labcorp Genetics (formerly Invitae), Labcorp
Classification: Uncertain significance. Last evaluated: 2024-10-04. Review status: criteria provided, single submitter. Criteria: Invitae Variant Classification Sherloc (09022015). Collection method: clinical testing. Allele origin: germline.
Comment: This sequence change replaces leucine, which is neutral and non-polar, with proline, which is neutral and non-polar, at codon 753 of the ABCC6 protein (p.Leu753Pro). This variant is not present in population databases (gnomAD no frequency). This missense change has been observed in individual(s) with ABCC6-related conditions (PMID: 34906475). ClinVar contains an entry for this variant (Variation ID: 433221). Invitae Evidence Modeling of protein sequence and biophysical properties (such as structural, functional, and spatial information, amino acid conservation, physicochemical variation, residue mobility, and thermodynamic stability) indicates that this missense variant is expected to disrupt ABCC6 protein function with a positive predictive value of 95%. In summary, the available evidence is currently insufficient to determine the role of this variant in disease. Therefore, it has been classified as a Variant of Uncertain Significance.

PXE International
Classification: Pathogenic for Autosomal recessive inherited pseudoxanthoma elasticum. Last evaluated: 2021-03-01. Review status: no assertion criteria provided. Collection method: research. Allele origin: germline. Inheritance: Autosomal recessive inheritance. Affected: yes. Observed: 2 variant alleles. Not counted in ClinVar's aggregate classification.

Literature cited by the submitters: PubMed 34906475 (cited by Labcorp Genetics (formerly Invitae), Labcorp); PubMed 32873932 (cited by PXE International).

NM_001171.6(ABCC6):c.2258T>C (p.Leu753Pro)

Gene: ABCC6 (ATP binding cassette subfamily C member 6; minus strand). Cytogenetic location: 16p13.11.
Variant type: single nucleotide variant.
Coding change: c.2258T>C on transcript NM_001171.6 (MANE Select); coding-DNA position 2258, T replaced by C.
Protein change: p.Leu753Pro; replaces leucine 753 with proline.
Molecular consequence: missense variant. On other transcripts: non-coding transcript variant (1).
Genome position (GRCh38, 1-based): chr16:16,178,955, A>G on the plus strand (T>C on the coding strand, the complement: ABCC6 is on the minus strand). VCF-style: chr16-16178955-A-G. GRCh37 (hg19) VCF-style: chr16-16272812-A-G.
Other names: c.1916T>C, p.Leu639Pro (NM_001351800.1); short protein forms L753P, L639P.
Identifiers: ClinVar variation 433221 (VCV000433221.7), dbSNP rs1555512484, ClinGen allele CA394888179.